The following is an entry in ClinVar:

ClinVar aggregate classification (germline): Uncertain significance (1 of 4 stars; one submission).

Conditions:
Progressive encephalopathy with leukodystrophy due to DECR deficiency. Identifiers: Orphanet 431361, MedGen C1857252, MONDO:0014464, OMIM 616034.

Submission:

Labcorp Genetics (formerly Invitae), Labcorp
Classification: Uncertain significance for Progressive encephalopathy with leukodystrophy due to DECR deficiency. Last evaluated: 2023-09-13. Review status: criteria provided, single submitter. Criteria: Invitae Variant Classification Sherloc (09022015). Collection method: clinical testing. Allele origin: germline.
Comment: ClinVar contains an entry for this variant (Variation ID: 1419239). This variant has not been reported in the literature in individuals affected with NADK2-related conditions. The frequency data for this variant in the population databases is considered unreliable, as metrics indicate insufficient coverage at this position in the gnomAD database. This sequence change creates a premature translational stop signal (p.Ala32Glyfs*62) in the NADK2 gene. It is expected to result in an absent or disrupted protein product. However, the current clinical and genetic evidence is not sufficient to establish whether loss-of-function variants in NADK2 cause disease. In summary, the available evidence is currently insufficient to determine the role of this variant in disease. Therefore, it has been classified as a Variant of Uncertain Significance.

NM_001085411.3(NADK2):c.95_107del (p.Ala32fs)

Genes: NADK2 (NAD kinase 2, mitochondrial; minus strand), LOC129993801 (ATAC-STARR-seq lymphoblastoid silent region 15972; plus strand). Cytogenetic location: 5p13.2.
Variant type: Deletion.
Coding change: c.95_107del on transcript NM_001085411.3 (MANE Select); coding-DNA positions 95 to 107, 13 bases deleted (CCGCGCGGCCCCG).
Protein change: p.Ala32fs; shifts the reading frame from alanine 32.
Molecular consequence: frameshift variant. On other transcripts: intron variant (2).
Genome position (GRCh38, 1-based): chr5:36,241,692-36,241,704, CGGGGCCGCGCGG deleted on the plus strand (CCGCGCGGCCCCG on the coding strand, the reverse complement: NADK2 is on the minus strand); deleting any 13 consecutive bases within chr5:36,241,692-36,241,711 gives the same sequence; the c. name uses the placement nearest the transcript's 3' end. VCF-style (leftmost placement, unchanged base first): chr5-36241691-CCGGGGCCGCGCGG-C. GRCh37 (hg19) VCF-style: chr5-36241793-CCGGGGCCGCGCGG-C.
Other names: c.-190+392_-190+404del (NM_153013.5, NM_001287341.2); short protein forms A32fs.
Identifiers: ClinVar variation 1419239 (VCV001419239.6), dbSNP rs1748134657, ClinGen allele CA1539244220.